The following is an entry in ClinVar:

NM_001177316.2(SLC34A3):c.575C>T (p.Ser192Leu)

Gene: SLC34A3 (solute carrier family 34 member 3; plus strand). Cytogenetic location: 9q34.3.
Variant type: single nucleotide variant.
Coding change: c.575C>T on transcript NM_001177316.2 (MANE Select); coding-DNA position 575, C replaced by T.
Protein change: p.Ser192Leu; replaces serine 192 with leucine.
Molecular consequence: missense variant.
Genome position (GRCh38, 1-based): chr9:137,233,223, C>T. VCF-style: chr9-137233223-C-T. GRCh37 (hg19) VCF-style: chr9-140127675-C-T.
Other names: c.575C>T, p.Ser192Leu (NM_001177317.2, NM_080877.3); short protein forms S192L.
Identifiers: ClinVar variation 198610 (VCV000198610.50), dbSNP rs199690076, ClinGen allele CA247360.
Genomic context (GRCh38, chr9:137,233,223, plus strand): 5'-AGCCCGGGCCCCCCCACCTGACCCTGCCCACTCTCTGCGGCCACAGGGCTTTCAGCGGCT[C>T]GGCGGTGCACGGGATCTTCAACTGGCTCACAGTGCTGGTCCTGCTGCCACTGGAGAGCGC-3'
Protein context (NP_001170787.2, residues 182-202): RDEFQRAFSG[Ser192Leu]AVHGIFNWLT

ClinVar aggregate classification (germline): Pathogenic/Likely pathogenic. Review status: criteria provided, multiple submitters, no conflicts (2 of 4 stars). 19 submissions from 19 submitters: Pathogenic (12); Likely pathogenic (4). 3 of the submissions do not count toward it. Last evaluated 2026-08-06.

Conditions:
SLC34A3-related disorder. Also called: SLC34A3-related condition.
Hypophosphataemia or rickets.
Autosomal recessive hypophosphatemic bone disease (HHRH). Also called: Hypophosphatemic rickets with hypercalciuria; HYPERCALCIURIC RICKETS. Identifiers: Orphanet 157215, MedGen C1853271, MONDO:0009431, OMIM 241530.

Allele frequency attached by ClinVar (database versions not stated): ESP Exome Variant Server 0.00040; gnomAD exomes 0.00044 and 0.00076; TOPMed 0.00053; gnomAD 0.00056 and 0.00059; ExAC 0.00090.

Submissions 1 to 8 of 19:

OLLIN Analises Genomicas, OLLIN
Classification: Likely pathogenic for Autosomal recessive hypophosphatemic bone disease. Last evaluated: 2026-08-06. Review status: criteria provided, single submitter. Criteria: ACMG Guidelines 2015 PMID 25741868. Collection method: clinical testing. Allele origin: germline.
Comment: This missense variant, located in exon 7 (of 13), has been reported in ClinVar (accession VCV000444094.3), in gnomAD with an allele frequency of 0.072%, and in the scientific literature, segregating with the phenotype and in compound heterozygosity, in individuals with SLC34A3 related disorders (PMID: 19820004, 18996815, 16358215, 16358214, 30798342). In silico analysis predicts that this variant has a deleterious effect. According to the currently available evidence, this variant has been classified as likely pathogenic (PS4, PM2_P, PM3, PP1, PP3).

PreventionGenetics, part of Exact Sciences
Classification: Pathogenic for SLC34A3-related condition. Last evaluated: 2026-04-16. Review status: criteria provided, single submitter. Criteria: ACMG Guidelines, 2015. Collection method: clinical testing. Allele origin: germline.
Comment: The SLC34A3 c.575C>T variant is predicted to result in the amino acid substitution p.Ser192Leu. This variant has been reported in patients with hereditary hypophosphatemic rickets with hypercalciuria (Bergwitz et al. 2006. PubMed ID: 16358214; Lorenz-Depiereux et al. 2006. PubMed ID: 16358215; Page et al. 2008. PubMed ID: 18996815; Tencza et al. 2009. PubMed ID: 19820004; Schönauer et al. 2019. PubMed ID: 30798342; Table S1, Hureaux et al. 2019. PubMed ID: 31672324). Of note, some individuals heterozygous for this particular variant present with milder hypercalciuria and some signs of renal calcification (Tencza et al. 2009. PubMed ID: 19820004; Schönauer et al. 2019. PubMed ID: 30798342). This variant is reported in 0.096% of alleles in individuals of European (non-Finnish) descent in gnomAD. This variant is interpreted as pathogenic.

Labcorp Genetics (formerly Invitae), Labcorp
Classification: Pathogenic. Last evaluated: 2026-02-01. Review status: criteria provided, single submitter. Criteria: Invitae Variant Classification Sherloc (09022015). Collection method: clinical testing. Allele origin: germline.
Comment: This sequence change replaces serine, which is neutral and polar, with leucine, which is neutral and non-polar, at codon 192 of the SLC34A3 protein (p.Ser192Leu). This variant is present in population databases (rs199690076, gnomAD 0.1%), and has an allele count higher than expected for a pathogenic variant. This missense change has been observed in individual(s) with hypophosphatemic rickets with hypercalciuria (HHRH) (PMID: 16358214, 18996815, 19820004). In at least one individual the data is consistent with being in trans (on the opposite chromosome) from a pathogenic variant. It has also been observed to segregate with disease in related individuals. ClinVar contains an entry for this variant (Variation ID: 198610). Invitae Evidence Modeling of protein sequence and biophysical properties (such as structural, functional, and spatial information, amino acid conservation, physicochemical variation, residue mobility, and thermodynamic stability) indicates that this missense variant is not expected to disrupt SLC34A3 protein function with a negative predictive value of 80%. For these reasons, this variant has been classified as Pathogenic.

GeneDx
Classification: Pathogenic. Last evaluated: 2025-12-26. Review status: criteria provided, single submitter. Criteria: GeneDx Variant Classification Process June 2021. Collection method: clinical testing. Allele origin: germline. Affected: yes.
Comment: Likely a European founder mutation that has been associated with a less severe HHRH phenotype in the homozygous state and increased risk for renal calcifications in the heterozygous state (PMID: 32150856); Published functional studies demonstrate that although this variant does not have a significant impact on membrane sorting of phosphate, it severely reduces transport activity (PMID: 30798342, 36596813); In silico analysis suggests that this missense variant does not alter protein structure/function; This variant is associated with the following publications: (PMID: 31589614, 34805638, 32155322, 34666334, 30586318, 31672324, 16358215, 18996815, 19820004, 30798342, 16358214, 34743040, 35689455, 37432176, 36596813, 37414395, 24700880, 32150856, 39634134, 40794449)

Clinical Genomics Laboratory, Washington University in St. Louis
Classification: Pathogenic for Autosomal recessive hypophosphatemic bone disease. Last evaluated: 2025-11-17. Review status: criteria provided, single submitter. Criteria: ACMG Guidelines, 2015. Collection method: clinical testing. Allele origin: germline. Affected: yes.
Comment: The SLC34A3 c.575C>T (p.Ser192Leu) variant has been reported in multiple individuals with hypophosphatemic rickets with hypercalciuria in the compound heterozygous and homozygous state and is considered a founder variant in European populations. Of those reported patients, more than 10 individuals were compound heterozygous for this variant and a pathogenic or likely pathogenic variant was confirmed in trans (Bergwitz C et al., PMID: 16358214; Brazier F et al., PMID: 36596813; Christensen S et al., PMID: 34666334; Groopman EE et al., PMID: 30586318; Page K et al., PMID: 18996815; Petzold F et al., PMID: 37432176; Schonauer R et al., PMID: 30798342; Tencza AL et al., PMID: 19820004). People who are heterozygous for this variant exhibit nephrolithiasis and/or hypercalciuria as well as bone abnormalities (Cohen A et al., PMID: 34743040; Cogal AG et al., PMID: 34805638; Hureaux M et al., PMID: 31672324; Petzold F et al., PMID: 37432176; Schönauer R et al., PMID: 30798342; Sturznickel J et al., PMID: 35689455; Yu S et al., PMID: 32155322). Computational predictors indicate that the variant is damaging, evidence that correlates with impact to SLC34A3 function. Functional studies show that this variant leads to significantly reduced transport activity of inorganic phosphate, indicating that this variant impacts protein function (Brazier F et al., PMID: 36596813; Schönauer R et al., PMID: 30798342). The highest population minor allele frequency in the population database genome aggregation database (v.2.1.1) is 0.09% in the European (non-Finnish) population. This variant has been reported in the ClinVar database as a germline pathogenic or likely pathogenic variant by 15 submitters. Another variant in the same codon, c.575C>G (p.Ser192Trp), has been reported in affected individuals and is considered pathogenic (ClinVar Variation ID: 444094). Based on available information and the ACMG/AMP guidelines for variant interpretation (Richards S et al., PMID: 25741868), this variant is classified as pathogenic.

CeGaT Center for Human Genetics Tuebingen
Classification: Pathogenic. Last evaluated: 2025-11-01. Review status: criteria provided, single submitter. Criteria: CeGaT Center For Human Genetics Tuebingen Variant Classification Criteria Version 2. Collection method: clinical testing. Allele origin: germline. Affected: yes. Observed: 5 variant alleles.
Comment: SLC34A3: PM3:Very Strong, PM2, PS3:Supporting

Rare Kidney Stone Consortium and the Mayo Clinic Hyperoxaluria Center, Mayo Clinic
Classification: Pathogenic for Autosomal recessive hypophosphatemic bone disease. Last evaluated: 2025-10-03. Review status: criteria provided, single submitter. Criteria: ACMG Guidelines, 2015. Collection method: research. Allele origin: germline. Affected: yes. Observed: 8 variant alleles.

Variantyx, Inc.
Classification: Likely pathogenic for Autosomal recessive hypophosphatemic bone disease. Last evaluated: 2025-07-30. Review status: criteria provided, single submitter. Criteria: Variantyx Assertion Criteria 2022. Collection method: clinical testing. Allele origin: germline. Inheritance: Autosomal recessive inheritance. Affected: no.
Comment: This is a nonsynonymous variant in the SLC34A3 gene (OMIM: 609826). Pathogenic variants in this gene have been associated with autosomal recessive hypophosphatemic rickets with hypercalciuria. This variant has been identified in the homozygous or compound heterozygous state in at least 10 individuals reported in the published literature (PMID: 16358215, 36596813, 30586318, 19820004, 18996815, 30798342, 24700880, 34666334) (PM3_Strong). Functional studies have shown that this variant alters SLC34A3 protein function (PMID: 30798342, 36596813) (PS3_Moderate), and multiple computational algorithms predict a deleterious effect for this variant (REVEL score: 0.646) (PP3). This variant has a 0.0944% maximum allele frequency in non-founder control populations (PM2). Based on the current evidence, this variant is classified as likely pathogenic for autosomal recessive hypophosphatemic rickets with hypercalciuria.